The following is an entry in ClinVar:

NM_000321.3(RB1):c.2414A>C (p.Tyr805Ser)

Gene: RB1 (RB transcriptional corepressor 1; plus strand). Cytogenetic location: 13q14.2.
Variant type: single nucleotide variant.
Coding change: c.2414A>C on transcript NM_000321.3 (MANE Select); coding-DNA position 2414, A replaced by C.
Protein change: p.Tyr805Ser; replaces tyrosine 805 with serine.
Molecular consequence: missense variant.
Genome position (GRCh38, 1-based): chr13:48,465,293, A>C. VCF-style: chr13-48465293-A-C. GRCh37 (hg19) VCF-style: chr13-49039429-A-C.
Other names: c.2414A>C, p.Tyr805Ser (NM_001407165.1); short protein forms Y805S.
Identifiers: ClinVar variation 3706508 (VCV003706508.2).

ClinVar aggregate classification (germline): Uncertain significance (1 of 4 stars; one submission).

Conditions:
Retinoblastoma (RB1). Also called: RETINOBLASTOMA, SOMATIC. Identifiers: Orphanet 790, MedGen C0035335, MeSH D012175, MONDO:0008380, OMIM 180200, HP:0009919. Disease mechanism: loss of function. Inheritance: Both sporadic and heritable forms are tested..

Submission:

Labcorp Genetics (formerly Invitae), Labcorp
Classification: Uncertain significance for Retinoblastoma. Last evaluated: 2024-09-29. Review status: criteria provided, single submitter. Criteria: Invitae Variant Classification Sherloc (09022015). Collection method: clinical testing. Allele origin: germline.
Comment: This sequence change replaces tyrosine, which is neutral and polar, with serine, which is neutral and polar, at codon 805 of the RB1 protein (p.Tyr805Ser). This variant is not present in population databases (gnomAD no frequency). This variant has not been reported in the literature in individuals affected with RB1-related conditions. Invitae Evidence Modeling of protein sequence and biophysical properties (such as structural, functional, and spatial information, amino acid conservation, physicochemical variation, residue mobility, and thermodynamic stability) has been performed for this missense variant. However, the output from this modeling did not meet the statistical confidence thresholds required to predict the impact of this variant on RB1 protein function. In summary, the available evidence is currently insufficient to determine the role of this variant in disease. Therefore, it has been classified as a Variant of Uncertain Significance.